The following is an entry in ClinVar:

ClinVar aggregate classification (germline): Benign/Likely benign. Review status: criteria provided, multiple submitters, no conflicts (2 of 4 stars). 2 submissions from 2 submitters: Benign (1); Likely benign (1). Last evaluated 2025-03-24.

Allele frequency attached by ClinVar (database versions not stated): ExAC 0.00001; gnomAD exomes 0.00001 and 0.00002; TOPMed 0.00001; gnomAD 0.00003.
gnomAD v4.1: 8 of 1,208,893 alleles (0.00066%); highest among the groups gnomAD compares: Admixed American, 0.018%; no homozygotes.

Submissions (2):

Labcorp Genetics (formerly Invitae), Labcorp
Classification: Benign. Last evaluated: 2025-03-24. Review status: criteria provided, single submitter. Criteria: Invitae Variant Classification Sherloc (09022015). Collection method: clinical testing. Allele origin: germline.

GeneDx
Classification: Likely benign. Last evaluated: 2017-10-19. Review status: criteria provided, single submitter. Criteria: GeneDx Variant Classification (06012015). Collection method: clinical testing. Allele origin: germline. Affected: yes.
Comment: This variant is considered likely benign or benign based on one or more of the following criteria: it is a conservative change, it occurs at a poorly conserved position in the protein, it is predicted to be benign by multiple in silico algorithms, and/or has population frequency not consistent with disease.

NM_001271696.3(ABCB7):c.1203G>A (p.Val401=)

Gene: ABCB7 (ATP binding cassette subfamily B member 7; minus strand). Cytogenetic location: Xq13.3.
Variant type: single nucleotide variant.
Coding change: c.1203G>A on transcript NM_001271696.3 (MANE Select); coding-DNA position 1203, G replaced by A.
Protein change: p.Val401=; no amino-acid change (valine 401 retained).
Molecular consequence: synonymous variant.
Genome position (GRCh38, 1-based): chrX:75,071,513, C>T on the plus strand (G>A on the coding strand, the complement: ABCB7 is on the minus strand). VCF-style: chrX-75071513-C-T. GRCh37 (hg19) VCF-style: chrX-74291348-C-T.
Other names: c.1086G>A, p.Val362= (NM_001271699.3); c.1206G>A, p.Val402= (NM_004299.6); c.1083G>A, p.Val361= (NM_001271697.3); c.1125G>A, p.Val375= (NM_001271698.3).
Identifiers: ClinVar variation 506643 (VCV000506643.2), dbSNP rs763867013, ClinGen allele CA10455431.